The following is an entry in ClinVar:

ClinVar aggregate classification (germline): Uncertain significance (1 of 4 stars; one submission).

Submission:

Labcorp Genetics (formerly Invitae), Labcorp
Classification: Uncertain significance. Last evaluated: 2025-10-05. Review status: criteria provided, single submitter. Criteria: Invitae Variant Classification Sherloc (09022015). Collection method: clinical testing. Allele origin: germline.
Comment: This sequence change replaces aspartic acid, which is acidic and polar, with tyrosine, which is neutral and polar, at codon 903 of the REST protein (p.Asp903Tyr). This variant is not present in population databases (gnomAD no frequency). This variant has not been reported in the literature in individuals affected with REST-related conditions. An algorithm developed to predict the effect of missense changes on protein structure and function (PolyPhen-2) suggests that this variant is likely to be tolerated. In summary, the available evidence is currently insufficient to determine the role of this variant in disease. Therefore, it has been classified as a Variant of Uncertain Significance.

NM_005612.5(REST):c.2707G>T (p.Asp903Tyr)

Gene: REST (RE1 silencing transcription factor; plus strand). Cytogenetic location: 4q12.
Variant type: single nucleotide variant.
Coding change: c.2707G>T on transcript NM_005612.5 (MANE Select); coding-DNA position 2707, G replaced by T.
Protein change: p.Asp903Tyr; replaces aspartic acid 903 with tyrosine.
Molecular consequence: missense variant.
Genome position (GRCh38, 1-based): chr4:56,931,565, G>T. VCF-style: chr4-56931565-G-T. GRCh37 (hg19) VCF-style: chr4-57797731-G-T.
Other names: c.2707G>T, p.Asp903Tyr (NM_001193508.2, NM_001363453.3); c.2623G>T, p.Asp875Tyr (NM_001440532.1, NM_001440533.1); short protein forms D875Y, D903Y.
Identifiers: ClinVar variation 4728466 (VCV004728466.1).